The following is an entry in ClinVar:

NM_001080.3(ALDH5A1):c.*2059C>T

Gene: ALDH5A1 (aldehyde dehydrogenase 5 family member A1; plus strand). Cytogenetic location: 6p22.3.
Variant type: single nucleotide variant.
Coding change: c.*2059C>T on transcript NM_001080.3 (MANE Select); 2059 bases downstream of the stop codon, C replaced by T.
Molecular consequence: 3 prime UTR variant.
Genome position (GRCh38, 1-based): chr6:24,535,771, C>T. VCF-style: chr6-24535771-C-T. GRCh37 (hg19) VCF-style: chr6-24535999-C-T.
Other names: c.*2059C>T (NM_001368954.1, NM_170740.1).
Identifiers: ClinVar variation 356178 (VCV000356178.5), dbSNP rs13196003, ClinGen allele CA10626525.

ClinVar aggregate classification (germline): Benign (1 of 4 stars; one submission).

Conditions:
Succinate-semialdehyde dehydrogenase deficiency (SSADHD). Also called: Succinic Semialdehyde Dehydrogenase Deficiency; 4-HYDROXYBUTYRIC ACIDURIA; GABA METABOLIC DEFECT; SSADH DEFICIENCY. Identifiers: Orphanet 22, MedGen C0268631, MONDO:0010083, OMIM 271980.

Allele frequency attached by ClinVar (database versions not stated): 1000 Genomes Project 30x 0.02936; 1000 Genomes Project 0.03035; TOPMed 0.04230; gnomAD 0.04603 and 0.04759.

Submission:

Illumina Laboratory Services, Illumina
Classification: Benign for Succinate-semialdehyde dehydrogenase deficiency. Last evaluated: 2018-01-13. Review status: criteria provided, single submitter. Criteria: ICSL Variant Classification Criteria 13 December 2019. Collection method: clinical testing. Allele origin: germline.
Comment: This variant was observed in the ICSL laboratory as part of a predisposition screen in an ostensibly healthy population. It had not been previously curated by ICSL or reported in the Human Gene Mutation Database (HGMD: prior to June 1st, 2018), and was therefore a candidate for classification through an automated scoring system. Utilizing variant allele frequency, disease prevalence and penetrance estimates, and inheritance mode, an automated score was calculated to assess if this variant is too frequent to cause the disease. Based on the score and internal cut-off values, a variant classified as benign is not then subjected to further curation. The score for this variant resulted in a classification of benign for this disease.